The following is an entry in ClinVar:

ClinVar aggregate classification (germline): Likely benign. Review status: criteria provided, multiple submitters, no conflicts (2 of 4 stars). 3 submissions from 3 submitters: Likely benign (3). Last evaluated 2025-07-27.

Allele frequency attached by ClinVar (database versions not stated): gnomAD 0.00004 and 0.00005; gnomAD exomes 0.00009 and 0.00018; TOPMed 0.00009; ExAC 0.00010; ESP Exome Variant Server 0.00038.
gnomAD v4.1: 266 of 1,612,266 alleles (0.016%); highest among the groups gnomAD compares: Non-Finnish European, 0.022%; no homozygotes.

Submissions (3):

Labcorp Genetics (formerly Invitae), Labcorp
Classification: Likely benign. Last evaluated: 2025-07-27. Review status: criteria provided, single submitter. Criteria: Invitae Variant Classification Sherloc (09022015). Collection method: clinical testing. Allele origin: germline.

Blueprint Genetics
Classification: Likely benign. Last evaluated: 2024-09-23. Review status: criteria provided, single submitter. Criteria: ACMG Guidelines, 2015. Collection method: clinical testing. Allele origin: germline.

CeGaT Center for Human Genetics Tuebingen
Classification: Likely benign. Last evaluated: 2022-05-01. Review status: criteria provided, single submitter. Criteria: CeGaT Center For Human Genetics Tuebingen Variant Classification Criteria Version 2. Collection method: clinical testing. Allele origin: germline. Affected: yes. Observed: 1 variant allele.
Comment: RCBTB1: BP4, BP7

NM_018191.4(RCBTB1):c.1191C>T (p.Ser397=)

Gene: RCBTB1 (RCC1 and BTB domain containing protein 1; minus strand). Cytogenetic location: 13q14.2.
Variant type: single nucleotide variant.
Coding change: c.1191C>T on transcript NM_018191.4 (MANE Select); coding-DNA position 1191, C replaced by T.
Protein change: p.Ser397=; no amino-acid change (serine 397 retained).
Molecular consequence: synonymous variant. On other transcripts: non-coding transcript variant (2).
Genome position (GRCh38, 1-based): chr13:49,541,809, G>A on the plus strand (C>T on the coding strand, the complement: RCBTB1 is on the minus strand). VCF-style: chr13-49541809-G-A. GRCh37 (hg19) VCF-style: chr13-50115945-G-A.
Other names: c.1191C>T, p.Ser397= (NM_001352500.2, NM_001352501.2, NM_001352502.2 and 2 more transcripts); c.612C>T, p.Ser204= (NM_001352506.2).
Identifiers: ClinVar variation 1089852 (VCV001089852.33), dbSNP rs149875162, ClinGen allele CA6982639.